The following is an entry in ClinVar:

NM_001457.4(FLNB):c.3389C>T (p.Pro1130Leu)

Gene: FLNB (filamin B; plus strand). Cytogenetic location: 3p14.3.
Variant type: single nucleotide variant.
Coding change: c.3389C>T on transcript NM_001457.4 (MANE Select); coding-DNA position 3389, C replaced by T.
Protein change: p.Pro1130Leu; replaces proline 1130 with leucine.
Molecular consequence: missense variant.
Genome position (GRCh38, 1-based): chr3:58,123,355, C>T. VCF-style: chr3-58123355-C-T. GRCh37 (hg19) VCF-style: chr3-58109082-C-T.
Other names: c.3389C>T, p.Pro1130Leu (NM_001164317.2, NM_001164318.2, NM_001164319.2); short protein forms P1130L.
Identifiers: ClinVar variation 3690599 (VCV003690599.2).

ClinVar aggregate classification (germline): Uncertain significance (1 of 4 stars; one submission).

gnomAD v4.1: 2 of 1,614,024 alleles (0.00012%); highest among the groups gnomAD compares: Non-Finnish European, 0.00017%; no homozygotes.

Submission:

Labcorp Genetics (formerly Invitae), Labcorp
Classification: Uncertain significance. Last evaluated: 2024-08-08. Review status: criteria provided, single submitter. Criteria: Invitae Variant Classification Sherloc (09022015). Collection method: clinical testing. Allele origin: germline.
Comment: This sequence change replaces proline, which is neutral and non-polar, with leucine, which is neutral and non-polar, at codon 1130 of the FLNB protein (p.Pro1130Leu). This variant is not present in population databases (gnomAD no frequency). This variant has not been reported in the literature in individuals affected with FLNB-related conditions. Advanced modeling of protein sequence and biophysical properties (such as structural, functional, and spatial information, amino acid conservation, physicochemical variation, residue mobility, and thermodynamic stability) performed at Invitae indicates that this missense variant is not expected to disrupt FLNB protein function with a negative predictive value of 95%. In summary, the available evidence is currently insufficient to determine the role of this variant in disease. Therefore, it has been classified as a Variant of Uncertain Significance.